The following is an entry in ClinVar:

ClinVar aggregate classification (germline): Likely benign. Review status: criteria provided, single submitter (1 of 4 stars). 2 submissions from 2 submitters: Likely benign (1). 1 of the submissions does not count toward it. Last evaluated 2025-04-13.

Conditions:
PLXNA3-related disorder. Also called: PLXNA3-related condition.

gnomAD v4.1: 69 of 1,207,693 alleles (0.0057%); highest among the groups gnomAD compares: South Asian, 0.0071%; no homozygotes.

Submissions (2):

Ambry Genetics
Classification: Likely benign. Last evaluated: 2025-04-13. Review status: criteria provided, single submitter. Criteria: Ambry Variant Classification Scheme 2023. Collection method: clinical testing. Allele origin: germline.

PreventionGenetics, part of Exact Sciences
Classification: Uncertain significance for PLXNA3-related condition. Last evaluated: 2024-08-05. Review status: no assertion criteria provided. Collection method: clinical testing. Allele origin: germline. Not counted in ClinVar's aggregate classification.
Comment: The PLXNA3 c.1723G>A variant is predicted to result in the amino acid substitution p.Ala575Thr. To our knowledge, this variant has not been reported in the literature. This variant is reported in 0.016% of alleles in individuals of South Asian descent in gnomAD, including six hemizygotes in the same database. Although we suspect this variant may be benign, at this time, the clinical significance of this variant is uncertain due to the absence of conclusive functional and genetic evidence.

NM_017514.5(PLXNA3):c.1723G>A (p.Ala575Thr)

Gene: PLXNA3 (plexin A3; plus strand). Cytogenetic location: Xq28.
Variant type: single nucleotide variant.
Coding change: c.1723G>A on transcript NM_017514.5 (MANE Select); coding-DNA position 1723, G replaced by A.
Protein change: p.Ala575Thr; replaces alanine 575 with threonine.
Molecular consequence: missense variant.
Genome position (GRCh38, 1-based): chrX:154,464,208, G>A. VCF-style: chrX-154464208-G-A. GRCh37 (hg19) VCF-style: chrX-153692551-G-A.
Other names: c.1723G>A (NM_017514.3); short protein forms A575T.
Identifiers: ClinVar variation 3358527 (VCV003358527.2).
Genomic context (GRCh38, chrX:154,464,208, plus strand): 5'-TTCCCCCAGCTGACCGTCACCCTGCACAACGTGCCAGACCTCAGTGCGGGCGTGAGCTGC[G>A]CCTTCGAGGCGGCGGCGGAGAACGAGGCGGTCCTGCTGCCCTCCGGTGAACTGCTCTGCC-3'
Protein context (NP_059984.3, residues 565-585): VPDLSAGVSC[Ala575Thr]FEAAAENEAV